The following is an entry in ClinVar:

NM_001142800.2(EYS):c.6079-3_6079-2del

Gene: EYS (EGF-like photoreceptor maintenance factor; minus strand). Cytogenetic location: 6q12.
Variant type: Deletion.
Coding change: c.6079-3_6079-2del on transcript NM_001142800.2 (MANE Select); 3 bases into the intron before coding-DNA position 6079 through the canonical splice acceptor site of the intron before coding-DNA position 6079, 2 bases deleted (CA; older notation c.6079-3_6079-2delCA).
Molecular consequence: splice acceptor variant.
Genome position (GRCh38, 1-based): chr6:64,307,084-64,307,085, TG deleted on the plus strand (CA on the coding strand, the reverse complement: EYS is on the minus strand). VCF-style (leftmost placement, unchanged base first): chr6-64307083-CTG-C. GRCh37 (hg19) VCF-style: chr6-65016976-CTG-C.
Other names: c.6079-3_6079-2delCA (NM_001142800.1); c.6079-3_6079-2del (NM_001292009.2).
Identifiers: ClinVar variation 2675240 (VCV002675240.2), dbSNP rs1491200209, ClinGen allele CA567731709.

ClinVar aggregate classification (germline): Pathogenic/Likely pathogenic. Review status: criteria provided, multiple submitters, no conflicts (2 of 4 stars). 2 submissions from 2 submitters: Pathogenic (1); Likely pathogenic (1). Last evaluated 2025-07-18.

Conditions:
Retinitis pigmentosa 25 (RP25). Identifiers: Orphanet 791, MedGen C1864446, MONDO:0011272, OMIM 602772.

Allele frequency attached by ClinVar (database versions not stated): gnomAD 0.00001; gnomAD exomes 0.00001.

Submissions (2):

Natera, Inc.
Classification: Pathogenic for Retinitis pigmentosa type 25. Last evaluated: 2025-07-18. Review status: criteria provided, single submitter. Criteria: Natera Variant Classification Schema (03/2026). Collection method: clinical testing. Allele origin: germline.
Comment: The c.6079-3_6079-2delCA variant in EYS is a deletion affecting a canonical splice acceptor site. This variant is expected to result in nonsense mediated decay, truncation, or a dysfunctional protein product. This variant is rare in the general population with a frequency below the threshold expected for the associated phenotype(s). Another variant at this same site results in an alteration predicted to cause a similar molecular effect has been observed in individual(s) with the associated phenotype. Given the available evidence, this variant is classified as Pathogenic.

Baylor Genetics
Classification: Likely pathogenic for Retinitis pigmentosa 25. Last evaluated: 2023-10-09. Review status: criteria provided, single submitter. Criteria: ACMG Guidelines, 2015. Collection method: clinical testing. Allele origin: unknown.